The following is an entry in ClinVar:

ClinVar aggregate classification (germline): Conflicting classifications of pathogenicity. Review status: criteria provided, conflicting classifications (1 of 4 stars). 2 submissions from 2 submitters: Uncertain significance (1); Likely benign (1). Last evaluated 2025-07-23.

Conditions:
Autosomal dominant epilepsy with auditory features. Identifiers: Orphanet 101046, MedGen C1838062, MONDO:0010898.
Inborn genetic diseases. Identifiers: MedGen C0950123, MeSH D030342.

Allele frequency attached by ClinVar (database versions not stated): TOPMed below 0.00001; gnomAD 0.00001.
gnomAD v4.1: 2 of 1,613,038 alleles (0.00012%); highest among the groups gnomAD compares: African/African-American, 0.0027%; no homozygotes.

Submissions (2):

Labcorp Genetics (formerly Invitae), Labcorp
Classification: Uncertain significance for Autosomal dominant epilepsy with auditory features. Last evaluated: 2025-07-23. Review status: criteria provided, single submitter. Criteria: Invitae Variant Classification Sherloc (09022015). Collection method: clinical testing. Allele origin: germline.
Comment: This sequence change falls in intron 6 of the LGI1 gene. It does not directly change the encoded amino acid sequence of the LGI1 protein. It affects a nucleotide within the consensus splice site. This variant is present in population databases (no rsID available, gnomAD 0.01%). This variant has not been reported in the literature in individuals affected with LGI1-related conditions. ClinVar contains an entry for this variant (Variation ID: 1347464). Variants that disrupt the consensus splice site are a relatively common cause of aberrant splicing (PMID: 17576681, 9536098). Algorithms developed to predict the effect of sequence changes on RNA splicing suggest that this variant is not likely to affect RNA splicing. In summary, the available evidence is currently insufficient to determine the role of this variant in disease. Therefore, it has been classified as a Variant of Uncertain Significance.

Ambry Genetics
Classification: Likely benign for Inborn genetic diseases. Last evaluated: 2019-07-30. Review status: criteria provided, single submitter. Criteria: Ambry Variant Classification Scheme 2023. Collection method: clinical testing. Allele origin: germline.

Literature cited by the submitters: PubMed 17576681 (cited by Labcorp Genetics (formerly Invitae), Labcorp); PubMed 9536098 (cited by Labcorp Genetics (formerly Invitae), Labcorp).

NM_005097.4(LGI1):c.673+5T>C

Gene: LGI1 (leucine rich glioma inactivated 1; plus strand). Cytogenetic location: 10q23.33.
Variant type: single nucleotide variant.
Coding change: c.673+5T>C on transcript NM_005097.4 (MANE Select); 5 bases into the intron after coding-DNA position 673, T replaced by C.
Molecular consequence: intron variant.
Genome position (GRCh38, 1-based): chr10:93,792,917, T>C. VCF-style: chr10-93792917-T-C. GRCh37 (hg19) VCF-style: chr10-95552674-T-C.
Other names: c.673+5T>C (NM_001308275.2); c.529+5T>C (NM_001308276.2).
Identifiers: ClinVar variation 1347464 (VCV001347464.8), dbSNP rs1162193591, ClinGen allele CA595637809.